The following is an entry in ClinVar:

ClinVar aggregate classification (germline): Uncertain significance (1 of 4 stars; one submission).

Conditions:
Dyskeratosis congenita. Identifiers: Orphanet 1775, MedGen C0265965, MONDO:0015780.

Submission:

Labcorp Genetics (formerly Invitae), Labcorp
Classification: Uncertain significance for Dyskeratosis congenita. Last evaluated: 2025-10-20. Review status: criteria provided, single submitter. Criteria: Invitae Variant Classification Sherloc (09022015). Collection method: clinical testing. Allele origin: germline.
Comment: This sequence change falls in intron 7 of the TINF2 gene. It does not directly change the encoded amino acid sequence of the TINF2 protein. It affects a nucleotide within the consensus splice site. This variant is present in population databases (rs761173366, gnomAD 0.002%). This variant has not been reported in the literature in individuals affected with TINF2-related conditions. ClinVar contains an entry for this variant (Variation ID: 999239). Variants that disrupt the consensus splice site are a relatively common cause of aberrant splicing (PMID: 17576681, 9536098). Algorithms developed to predict the effect of sequence changes on RNA splicing suggest that this variant may disrupt the consensus splice site. In summary, the available evidence is currently insufficient to determine the role of this variant in disease. Therefore, it has been classified as a Variant of Uncertain Significance.

Literature cited by the submitters: PubMed 17576681; PubMed 9536098.

NM_001099274.3(TINF2):c.1130-3_1130-2del

Gene: TINF2 (TERF1 interacting nuclear factor 2; minus strand). Cytogenetic location: 14q12.
Variant type: Deletion.
Coding change: c.1130-3_1130-2del on transcript NM_001099274.3 (MANE Select); 3 bases into the intron before coding-DNA position 1130 through the canonical splice acceptor site of the intron before coding-DNA position 1130, 2 bases deleted (CA; older notation c.1130-3_1130-2delCA).
Molecular consequence: splice acceptor variant. On other transcripts: 3 prime UTR variant (1).
Genome position (GRCh38, 1-based): chr14:24,240,157-24,240,158, TG deleted on the plus strand (CA on the coding strand, the reverse complement: TINF2 is on the minus strand); deleting any 2 consecutive bases within chr14:24,240,157-24,240,159 gives the same sequence; the c. name uses the placement nearest the transcript's 3' end. VCF-style (leftmost placement, unchanged base first): chr14-24240156-CTG-C. GRCh37 (hg19) VCF-style: chr14-24709362-CTG-C.
Other names: c.*257_*258del (NM_012461.3); c.1025-3_1025-2del (NM_001363668.2).
Identifiers: ClinVar variation 999239 (VCV000999239.5), dbSNP rs761173366, ClinGen allele CA7130477.